The following is an entry in ClinVar:

ClinVar aggregate classification (germline): Uncertain significance (1 of 4 stars; one submission).

Submission:

GeneDx
Classification: Uncertain significance. Last evaluated: 2024-02-14. Review status: criteria provided, single submitter. Criteria: GeneDx Variant Classification Process June 2021. Collection method: clinical testing. Allele origin: germline. Affected: yes.
Comment: Frameshift variant predicted to result in protein truncation or nonsense mediated decay in a gene or region of a gene for which loss of function is not a well-established mechanism of disease; Not observed at significant frequency in large population cohorts (gnomAD); Has not been previously published as pathogenic or benign to our knowledge

NM_000748.3(CHRNB2):c.840del (p.Leu281fs)

Gene: CHRNB2 (cholinergic receptor nicotinic beta 2 subunit; plus strand). Cytogenetic location: 1q21.3.
Variant type: Deletion.
Coding change: c.840del on transcript NM_000748.3 (MANE Select); coding-DNA position 840, one base deleted (G; older notation c.840delG).
Protein change: p.Leu281fs; shifts the reading frame from leucine 281.
Molecular consequence: frameshift variant.
Genome position (GRCh38, 1-based): chr1:154,571,663, G deleted. VCF-style (leftmost placement, unchanged base first): chr1-154571662-TG-T. GRCh37 (hg19) VCF-style: chr1-154544138-TG-T.
Other names: short protein forms L281fs.
Identifiers: ClinVar variation 3369047 (VCV003369047.1).
Genomic context (GRCh38, chr1:154,571,662, plus strand): 5'-CCGACTGTGGCGAGAAGATGACGTTGTGCATCTCAGTGCTGCTGGCGCTCACGGTCTTCC[TG>T]CTGCTCATCTCCAAGATCGTGCCTCCCACCTCCCTCGACGTGCCGCTCGTCGGCAAGTAC-3'